The following is an entry in ClinVar:

ClinVar aggregate classification (germline): Uncertain significance (1 of 4 stars; one submission).

Conditions:
Alstrom syndrome (ALMS). Identifiers: Orphanet 64, MedGen C0268425, MONDO:0008763, OMIM 203800.

gnomAD v4.1: 15 of 1,614,172 alleles (0.00093%); highest among the groups gnomAD compares: African/African-American, 0.0013%; no homozygotes.

Submission:

Labcorp Genetics (formerly Invitae), Labcorp
Classification: Uncertain significance for Alstrom syndrome. Last evaluated: 2026-01-14. Review status: criteria provided, single submitter. Criteria: Invitae Variant Classification Sherloc (09022015). Collection method: clinical testing. Allele origin: germline.
Comment: This sequence change replaces methionine, which is neutral and non-polar, with leucine, which is neutral and non-polar, at codon 3080 of the ALMS1 protein (p.Met3080Leu). This variant is not present in population databases (gnomAD no frequency). This variant has not been reported in the literature in individuals affected with ALMS1-related conditions. Experimental studies and prediction algorithms are not available or were not evaluated, and the functional significance of this variant is currently unknown. In summary, the available evidence is currently insufficient to determine the role of this variant in disease. Therefore, it has been classified as a Variant of Uncertain Significance.

NM_001378454.1(ALMS1):c.9235A>T (p.Met3079Leu)

Gene: ALMS1 (ALMS1 centrosome and basal body associated protein; plus strand). Cytogenetic location: 2p13.1.
Variant type: single nucleotide variant.
Coding change: c.9235A>T on transcript NM_001378454.1 (MANE Select); coding-DNA position 9235, A replaced by T.
Protein change: p.Met3079Leu; replaces methionine 3079 with leucine.
Molecular consequence: missense variant.
Genome position (GRCh38, 1-based): chr2:73,491,194, A>T. VCF-style: chr2-73491194-A-T. GRCh37 (hg19) VCF-style: chr2-73718321-A-T.
Other names: c.9238A>T, p.Met3080Leu (NM_015120.4); short protein forms M3079L, M3080L.
Identifiers: ClinVar variation 4738782 (VCV004738782.1).